The following is an entry in ClinVar:

NC_000001.11:g.(?_161305674)_(161309915_?)dup

Gene: MPZ (myelin protein zero; minus strand). Cytogenetic location: 1q23.3.
Variant type: Duplication.
Identifiers: ClinVar variation 830394 (VCV000830394.1).

ClinVar aggregate classification (germline): Pathogenic (1 of 4 stars; one submission).

Conditions:
Charcot-Marie-Tooth disease, type I (CMT1). Also called: Charcot-Marie-Tooth, Type 1; Charcot-Marie-Tooth disease type 1. Identifiers: Orphanet 65753, MedGen C0751036, MONDO:0019011.

Submission:

Labcorp Genetics (formerly Invitae), Labcorp
Classification: Pathogenic for Charcot-Marie-Tooth disease, type I. Last evaluated: 2019-06-21. Review status: criteria provided, single submitter. Criteria: Invitae Variant Classification Sherloc (09022015). Collection method: clinical testing. Allele origin: germline.
Comment: This variant results in a copy number gain of the genomic region encompassing the full coding sequence of the MPZ gene. The boundaries of this event are unknown as they extend beyond the assayed region for this gene and therefore may encompass additional genes. As the precise location of this event is unknown, it may be in tandem or it may be located elsewhere in the genome. A similar copy number gain of MPZ has been reported to segregate with Charcot-Marie-Tooth (CMT) disease in a family (PMID: 21787890) and has been reported in individual(s) affected with CMT disease (PMID:26378787). For these reasons, this variant has been classified as Pathogenic.

Literature cited by the submitters: PubMed 26378787; PubMed 21787890.